The following is an entry in ClinVar:

NM_018012.4(KIF26B):c.975C>T (p.Asn325=)

Gene: KIF26B (kinesin family member 26B; plus strand). Cytogenetic location: 1q44.
Variant type: single nucleotide variant.
Coding change: c.975C>T on transcript NM_018012.4 (MANE Select); coding-DNA position 975, C replaced by T.
Protein change: p.Asn325=; no amino-acid change (asparagine 325 retained).
Molecular consequence: synonymous variant.
Genome position (GRCh38, 1-based): chr1:245,367,343, C>T. VCF-style: chr1-245367343-C-T. GRCh37 (hg19) VCF-style: chr1-245530645-C-T.
Identifiers: ClinVar variation 711323 (VCV000711323.6), dbSNP rs150921857, ClinGen allele CA1487510.

ClinVar aggregate classification (germline): Benign. Review status: criteria provided, multiple submitters, no conflicts (2 of 4 stars). 3 submissions from 3 submitters: Benign (2). 1 of the submissions does not count toward it. Last evaluated 2018-02-26.

Conditions:
KIF26B-related disorder. Also called: KIF26B-related condition.

Allele frequency attached by ClinVar (database versions not stated): ExAC 0.00254; ESP Exome Variant Server 0.00518; gnomAD 0.00524 and 0.00561; 1000 Genomes Project 0.00559; 1000 Genomes Project 30x 0.00562; gnomAD exomes 0.00125; TOPMed 0.00581.
gnomAD v4.1: 1,578 of 1,592,974 alleles (0.099%); highest among the groups gnomAD compares: African/African-American, 1.8%; 16 homozygotes.

Submissions (3):

Labcorp Genetics (formerly Invitae), Labcorp
Classification: Benign. Last evaluated: 2018-02-26. Review status: criteria provided, single submitter. Criteria: Invitae Variant Classification Sherloc (09022015). Collection method: clinical testing. Allele origin: germline.

Breakthrough Genomics
Classification: Benign. Review status: criteria provided, single submitter. Criteria: ACMG Guidelines, 2015. Collection method: not provided. Allele origin: germline. Inheritance: Unknown mechanism. Affected: yes.

PreventionGenetics, part of Exact Sciences
Classification: Benign for KIF26B-related condition. Last evaluated: 2019-05-20. Review status: no assertion criteria provided. Collection method: clinical testing. Allele origin: germline. Not counted in ClinVar's aggregate classification.
Comment: This variant is classified as benign based on ACMG/AMP sequence variant interpretation guidelines (Richards et al. 2015 PMID: 25741868, with internal and published modifications).